The following is an entry in ClinVar:

NM_177438.3(DICER1):c.705A>C (p.Glu235Asp)

Gene: DICER1 (dicer 1, ribonuclease III; minus strand). Cytogenetic location: 14q32.13.
Variant type: single nucleotide variant.
Coding change: c.705A>C on transcript NM_177438.3 (MANE Select); coding-DNA position 705, A replaced by C.
Protein change: p.Glu235Asp; replaces glutamic acid 235 with aspartic acid.
Molecular consequence: missense variant. On other transcripts: 5 prime UTR variant (1), non-coding transcript variant (6).
Genome position (GRCh38, 1-based): chr14:95,129,501, T>G on the plus strand (A>C on the coding strand, the complement: DICER1 is on the minus strand). VCF-style: chr14-95129501-T-G. GRCh37 (hg19) VCF-style: chr14-95595838-T-G.
Other names: c.705A>C, p.Glu235Asp (NM_001195573.1, NM_001271282.3, NM_001291628.2 and 14 more transcripts); c.423A>C, p.Glu141Asp (NM_001395686.1); c.300A>C, p.Glu100Asp (NM_001395687.1, NM_001395688.1, NM_001395689.1 and 3 more transcripts); c.138A>C, p.Glu46Asp (NM_001395691.1); c.-864A>C (NM_001395697.1); short protein forms E235D, E100D, E141D, E46D.
Identifiers: ClinVar variation 4637946 (VCV004637946.1).

ClinVar aggregate classification (germline): Uncertain significance (1 of 4 stars; one submission).

Conditions:
Hereditary cancer-predisposing syndrome. Also called: Neoplastic Syndromes, Hereditary; Tumor predisposition; Hereditary Cancer Syndrome; Hereditary neoplastic syndrome. Identifiers: Orphanet 140162, MedGen C0027672, MeSH D009386, MONDO:0015356.

Submission:

Ambry Genetics
Classification: Uncertain significance for Hereditary cancer-predisposing syndrome. Last evaluated: 2025-12-11. Review status: criteria provided, single submitter. Criteria: Ambry Variant Classification Scheme 2023. Collection method: clinical testing. Allele origin: germline.
Comment: The p.E235D variant (also known as c.705A>C), located in coding exon 5 of the DICER1 gene, results from an A to C substitution at nucleotide position 705. The glutamic acid at codon 235 is replaced by aspartic acid, an amino acid with highly similar properties. This amino acid position is conserved. In addition, the in silico prediction for this alteration is inconclusive. Based on the available evidence, the clinical significance of this variant remains unclear.